The following is an entry in ClinVar:

ClinVar aggregate classification (germline): Uncertain significance. Review status: criteria provided, multiple submitters, no conflicts (2 of 4 stars). 2 submissions from 2 submitters: Uncertain significance (2). Last evaluated 2024-08-15.

Conditions:
Hereditary cancer-predisposing syndrome. Also called: Neoplastic Syndromes, Hereditary; Hereditary neoplastic syndrome; Tumor predisposition; Hereditary Cancer Syndrome. Identifiers: Orphanet 140162, MedGen C0027672, MeSH D009386, MONDO:0015356.
Familial cancer of breast. Also called: hereditary breast carcinoma; BREAST CANCER, FAMILIAL; Hereditary breast cancer. Identifiers: Orphanet 227535, MedGen C0346153, MONDO:0016419, OMIM 114480. Disease mechanism: loss of function.
Fanconi anemia complementation group J. Also called: BRIP1-Related Fanconi Anemia. Identifiers: Orphanet 84, MedGen C1836860, MONDO:0012187, OMIM 609054.

Submissions (2):

Labcorp Genetics (formerly Invitae), Labcorp
Classification: Uncertain significance for Familial cancer of breast; Fanconi anemia complementation group J. Last evaluated: 2024-08-15. Review status: criteria provided, single submitter. Criteria: Invitae Variant Classification Sherloc (09022015). Collection method: clinical testing. Allele origin: germline.
Comment: This sequence change replaces glutamic acid, which is acidic and polar, with glutamine, which is neutral and polar, at codon 339 of the BRIP1 protein (p.Glu339Gln). This variant is not present in population databases (gnomAD no frequency). This variant has not been reported in the literature in individuals affected with BRIP1-related conditions. ClinVar contains an entry for this variant (Variation ID: 1691975). Invitae Evidence Modeling of protein sequence and biophysical properties (such as structural, functional, and spatial information, amino acid conservation, physicochemical variation, residue mobility, and thermodynamic stability) indicates that this missense variant is not expected to disrupt BRIP1 protein function with a negative predictive value of 80%. In summary, the available evidence is currently insufficient to determine the role of this variant in disease. Therefore, it has been classified as a Variant of Uncertain Significance.

Sema4
Classification: Uncertain significance for Hereditary cancer-predisposing syndrome. Last evaluated: 2021-12-07. Review status: criteria provided, single submitter. Criteria: Sema4 Curation Guidelines. Collection method: curation. Allele origin: germline.
Comment: The BRIP1 c.1015G>C (p.E339Q) variant has not been reported in the literature to our knowledge. It was not observed in the large and broad cohorts of the Genome Aggregation Database, nor has it been reported in ClinVar. Functional studies have not been performed, and in silico predictions of the variant's effect on protein function are inconclusive. The evidence is insufficient to meet ACMG/AMP criteria for classifying the variant as benign or pathogenic. Thus, the clinical significance of this variant is currently uncertain.

NM_032043.3(BRIP1):c.1015G>C (p.Glu339Gln)

Gene: BRIP1 (BRCA1 interacting DNA helicase 1; minus strand). Cytogenetic location: 17q23.2.
Variant type: single nucleotide variant.
Coding change: c.1015G>C on transcript NM_032043.3 (MANE Select); coding-DNA position 1015, G replaced by C.
Protein change: p.Glu339Gln; replaces glutamic acid 339 with glutamine.
Molecular consequence: missense variant.
Genome position (GRCh38, 1-based): chr17:61,801,378, C>G on the plus strand (G>C on the coding strand, the complement: BRIP1 is on the minus strand). VCF-style: chr17-61801378-C-G. GRCh37 (hg19) VCF-style: chr17-59878739-C-G.
Other names: short protein forms E339Q.
Identifiers: ClinVar variation 1691975 (VCV001691975.3), dbSNP rs2145337853, ClinGen allele CA400484109.